The following is an entry in ClinVar:

ClinVar aggregate classification (germline): Likely benign (1 of 4 stars; one submission).

Submission:

CeGaT Center for Human Genetics Tuebingen
Classification: Likely benign. Last evaluated: 2026-02-01. Review status: criteria provided, single submitter. Criteria: CeGaT Center For Human Genetics Tuebingen Variant Classification Criteria Version 2. Collection method: clinical testing. Allele origin: germline. Affected: yes. Observed: 1 variant allele.
Comment: CAMTA1: BP4, BP7

NM_015215.4(CAMTA1):c.46-13124T>C

Gene: CAMTA1 (calmodulin binding transcription activator 1; plus strand). Cytogenetic location: 1p36.31.
Variant type: single nucleotide variant.
Coding change: c.46-13124T>C on transcript NM_015215.4 (MANE Select); 13124 bases into the intron before coding-DNA position 46, T replaced by C.
Molecular consequence: intron variant. On other transcripts: synonymous variant (1).
Genome position (GRCh38, 1-based): chr1:6,807,057, T>C. VCF-style: chr1-6807057-T-C. GRCh37 (hg19) VCF-style: chr1-6867117-T-C.
Other names: c.120T>C, p.Tyr40= (NM_001349627.2); c.46-13124T>C (NM_001349609.2, NM_001349610.2, NM_001410737.1 and 3 more transcripts); c.26-18035T>C (NM_001349608.2, NM_001349612.2).
Identifiers: ClinVar variation 4823317 (VCV004823317.4).